The following is an entry in ClinVar:

NM_177550.5(SLC13A5):c.548-80G>A

Gene: SLC13A5 (solute carrier family 13 member 5; minus strand). Cytogenetic location: 17p13.1.
Variant type: single nucleotide variant.
Coding change: c.548-80G>A on transcript NM_177550.5 (MANE Select); 80 bases into the intron before coding-DNA position 548, G replaced by A.
Molecular consequence: intron variant.
Genome position (GRCh38, 1-based): chr17:6,703,218, C>T on the plus strand (G>A on the coding strand, the complement: SLC13A5 is on the minus strand). VCF-style: chr17-6703218-C-T. GRCh37 (hg19) VCF-style: chr17-6606537-C-T.
Other names: c.419-80G>A (NM_001284510.2); c.497-80G>A (NM_001284509.2); c.548-80G>A (NM_001143838.3).
Identifiers: ClinVar variation 671717 (VCV000671717.2), dbSNP rs8072966, ClinGen allele CA14416368.
Genomic context (GRCh38, chr17:6,703,218, plus strand): 5'-GTTAGCTGAGCCAGTCATGGGGGCTGCCCACCCAGCCCCAGGTCCTGACTCTGCTGCTGA[C>T]CTGAGGATTGGGAAATCCCAGCTCTGCTGATTTAGCTGCCCCACTGGGCTCCATAAGAGT-3'

ClinVar aggregate classification (germline): Benign. Review status: criteria provided, multiple submitters, no conflicts (2 of 4 stars). 2 submissions from 2 submitters: Benign (2). Last evaluated 2018-06-19.

Allele frequency attached by ClinVar (database versions not stated): 1000 Genomes Project 0.02736; 1000 Genomes Project 30x 0.02811; TOPMed 0.05237; gnomAD 0.05863 and 0.06056.
gnomAD v4.1: 121,627 of 1,548,288 alleles (7.9%); highest among the groups gnomAD compares: Non-Finnish European, 9.4%; 5,594 homozygotes.

Submissions (2):

GeneDx
Classification: Benign. Last evaluated: 2018-06-19. Review status: criteria provided, single submitter. Criteria: GeneDx Variant Classification (06012015). Collection method: clinical testing. Allele origin: germline. Affected: yes.
Comment: This variant is considered likely benign or benign based on one or more of the following criteria: it is a conservative change, it occurs at a poorly conserved position in the protein, it is predicted to be benign by multiple in silico algorithms, and/or has population frequency not consistent with disease.

Breakthrough Genomics
Classification: Benign. Review status: criteria provided, single submitter. Criteria: ACMG Guidelines, 2015. Collection method: not provided. Allele origin: germline. Inheritance: Autosomal recessive inheritance. Affected: yes.